The following is an entry in ClinVar:

ClinVar aggregate classification (germline): Uncertain significance (1 of 4 stars; one submission).

gnomAD v4.1: 15 of 1,612,198 alleles (0.00093%); highest among the groups gnomAD compares: African/African-American, 0.011%; no homozygotes.

Submission:

GeneDx
Classification: Uncertain significance. Last evaluated: 2025-08-12. Review status: criteria provided, single submitter. Criteria: GeneDx Variant Classification Process June 2021. Collection method: clinical testing. Allele origin: germline. Affected: yes.
Comment: In silico analysis suggests that this missense variant does not alter protein structure/function; Has not been previously published as pathogenic or benign to our knowledge

NM_024120.5(NDUFAF5):c.16G>A (p.Gly6Arg)

Genes: NDUFAF5 (NADH:ubiquinone oxidoreductase complex assembly factor 5; plus strand), LOC130065433 (ATAC-STARR-seq lymphoblastoid active region 17552; plus strand). Cytogenetic location: 20p12.1.
Variant type: single nucleotide variant.
Coding change: c.16G>A on transcript NM_024120.5 (MANE Select); coding-DNA position 16, G replaced by A.
Protein change: p.Gly6Arg; replaces glycine 6 with arginine.
Molecular consequence: missense variant. On other transcripts: 5 prime UTR variant (3), non-coding transcript variant (7).
Genome position (GRCh38, 1-based): chr20:13,785,084, G>A. VCF-style: chr20-13785084-G-A. GRCh37 (hg19) VCF-style: chr20-13765730-G-A.
Other names: c.16G>A, p.Gly6Arg (NM_001039375.3, NM_001352408.2); c.-352G>A (NM_001352403.2); c.-566G>A (NM_001352406.2); c.-680G>A (NM_001352407.2); short protein forms G6R.
Identifiers: ClinVar variation 4795381 (VCV004795381.1).